The following is an entry in ClinVar:

ClinVar aggregate classification (germline): Likely benign. Review status: criteria provided, multiple submitters, no conflicts (2 of 4 stars). 2 submissions from 2 submitters: Likely benign (2). Last evaluated 2023-12-19.

Conditions:
Intellectual disability, CASK-related, X-linked. Identifiers: MedGen CN043158.

Allele frequency attached by ClinVar (database versions not stated): gnomAD exomes below 0.00001; gnomAD 0.00001; TOPMed 0.00001.
gnomAD v4.1: 5 of 1,207,467 alleles (0.00041%); highest among the groups gnomAD compares: Middle Eastern, 0.023%; no homozygotes.

Submissions (2):

Labcorp Genetics (formerly Invitae), Labcorp
Classification: Likely benign for Intellectual disability, CASK-related, X-linked. Last evaluated: 2023-12-19. Review status: criteria provided, single submitter. Criteria: Invitae Variant Classification Sherloc (09022015). Collection method: clinical testing. Allele origin: germline.

CeGaT Center for Human Genetics Tuebingen
Classification: Likely benign. Last evaluated: 2023-07-01. Review status: criteria provided, single submitter. Criteria: CeGaT Center For Human Genetics Tuebingen Variant Classification Criteria Version 2. Collection method: clinical testing. Allele origin: germline. Affected: yes. Observed: 1 variant allele.
Comment: CASK: BP4, BP7

NM_001367721.1(CASK):c.564A>T (p.Pro188=)

Gene: CASK (calcium/calmodulin dependent serine protein kinase; minus strand). Cytogenetic location: Xp11.4.
Variant type: single nucleotide variant.
Coding change: c.564A>T on transcript NM_001367721.1 (MANE Select); coding-DNA position 564, A replaced by T.
Protein change: p.Pro188=; no amino-acid change (proline 188 retained).
Molecular consequence: synonymous variant.
Genome position (GRCh38, 1-based): chrX:41,665,421, T>A on the plus strand (A>T on the coding strand, the complement: CASK is on the minus strand). VCF-style: chrX-41665421-T-A. GRCh37 (hg19) VCF-style: chrX-41524674-T-A.
Other names: c.564A>T, p.Pro188= (NM_001126054.3, NM_001126055.3, NM_001410745.1 and 1 more transcripts).
Identifiers: ClinVar variation 2660352 (VCV002660352.27), dbSNP rs1411146495, ClinGen allele CA516109395.
Genomic context (GRCh38, chrX:41,665,421, plus strand): 5'-GATCACACCGCACCCCCAGACGTCTACAGGCTTTCCGTAAGGCTCTCTTTTGACCACTTC[T>A]GGTGCCATAAAATGAGGTGTTCCAACACGTCCTACATTTAAAACAACATTAAGGAAAAAT-3'
Protein context (NP_001354650.1, residues 178-198): GRVGTPHFMA[Pro188=]EVVKREPYGK